The following is an entry in ClinVar:

NM_000051.4(ATM):c.3246T>A (p.His1082Gln)

Gene: ATM (ATM serine/threonine kinase; plus strand). Cytogenetic location: 11q22.3.
Variant type: single nucleotide variant.
Coding change: c.3246T>A on transcript NM_000051.4 (MANE Select); coding-DNA position 3246, T replaced by A.
Protein change: p.His1082Gln; replaces histidine 1082 with glutamine.
Molecular consequence: missense variant.
Genome position (GRCh38, 1-based): chr11:108,272,814, T>A. VCF-style: chr11-108272814-T-A. GRCh37 (hg19) VCF-style: chr11-108143541-T-A.
Other names: c.3246T>A, p.His1082Gln (NM_001351834.2); short protein forms H1082Q.
Identifiers: ClinVar variation 3967184 (VCV003967184.1).

ClinVar aggregate classification (germline): Uncertain significance (1 of 4 stars; one submission).

Conditions:
Hereditary cancer-predisposing syndrome. Also called: Tumor predisposition; Hereditary neoplastic syndrome; Hereditary Cancer Syndrome; Neoplastic Syndromes, Hereditary. Identifiers: Orphanet 140162, MedGen C0027672, MeSH D009386, MONDO:0015356.

Submission:

Ambry Genetics
Classification: Uncertain significance for Hereditary cancer-predisposing syndrome. Last evaluated: 2025-05-18. Review status: criteria provided, single submitter. Criteria: Ambry Variant Classification Scheme 2023. Collection method: clinical testing. Allele origin: germline.
Comment: The p.H1082Q variant (also known as c.3246T>A), located in coding exon 21 of the ATM gene, results from a T to A substitution at nucleotide position 3246. The histidine at codon 1082 is replaced by glutamine, an amino acid with highly similar properties. This amino acid position is conserved. In addition, this alteration is predicted to be tolerated by in silico analysis. Based on the available evidence, the clinical significance of this variant remains unclear.